The following is an entry in ClinVar:

NM_001371986.1(UNC80):c.3184T>A (p.Ser1062Thr)

Gene: UNC80 (unc-80 homolog, NALCN channel complex subunit; plus strand). Cytogenetic location: 2q34.
Variant type: single nucleotide variant.
Coding change: c.3184T>A on transcript NM_001371986.1 (MANE Select); coding-DNA position 3184, T replaced by A.
Protein change: p.Ser1062Thr; replaces serine 1062 with threonine.
Molecular consequence: missense variant.
Genome position (GRCh38, 1-based): chr2:209,839,364, T>A. VCF-style: chr2-209839364-T-A. GRCh37 (hg19) VCF-style: chr2-210704088-T-A.
Other names: c.3184T>A, p.Ser1062Thr (NM_032504.2); c.3169T>A, p.Ser1057Thr (NM_182587.4); short protein forms S1062T, S1057T.
Identifiers: ClinVar variation 2068514 (VCV002068514.2), dbSNP rs1352982345, ClinGen allele CA350412371.
Genomic context (GRCh38, chr2:209,839,364, plus strand): 5'-ACCAGCAGCCAGTCTGAACAGGACACTTCAGAATGCACGACTGCCCACTCAGGGACCACC[T>A]CTGACCGACGTGCCCGCTCACGATCCCGCAGAATTTCCCTCCGAAAGAAGCTTAAACTCC-3'
Protein context (NP_001358915.1, residues 1052-1072): ECTTAHSGTT[Ser1062Thr]DRRARSRSRR

ClinVar aggregate classification (germline): Uncertain significance (1 of 4 stars; one submission).

Allele frequency attached by ClinVar (database versions not stated): gnomAD exomes below 0.00001; TOPMed 0.00001.
gnomAD v4.1: 1 of 1,551,956 alleles (0.000064%); highest among the groups gnomAD compares: African/African-American, 0.0014%; no homozygotes.

Submission:

Labcorp Genetics (formerly Invitae), Labcorp
Classification: Uncertain significance. Last evaluated: 2023-02-10. Review status: criteria provided, single submitter. Criteria: Invitae Variant Classification Sherloc (09022015). Collection method: clinical testing. Allele origin: germline.
Comment: This sequence change replaces serine, which is neutral and polar, with threonine, which is neutral and polar, at codon 1062 of the UNC80 protein (p.Ser1062Thr). This variant is not present in population databases (gnomAD no frequency). This variant has not been reported in the literature in individuals affected with UNC80-related conditions. Algorithms developed to predict the effect of missense changes on protein structure and function output the following: SIFT: "Not Available"; PolyPhen-2: "Benign"; Align-GVGD: "Not Available". The threonine amino acid residue is found in multiple mammalian species, which suggests that this missense change does not adversely affect protein function. In summary, the available evidence is currently insufficient to determine the role of this variant in disease. Therefore, it has been classified as a Variant of Uncertain Significance.